The following is an entry in ClinVar:

NM_001999.4(FBN2):c.7192G>T (p.Ala2398Ser)

Gene: FBN2 (fibrillin 2; minus strand). Cytogenetic location: 5q23.3.
Variant type: single nucleotide variant.
Coding change: c.7192G>T on transcript NM_001999.4 (MANE Select); coding-DNA position 7192, G replaced by T.
Protein change: p.Ala2398Ser; replaces alanine 2398 with serine.
Molecular consequence: missense variant.
Genome position (GRCh38, 1-based): chr5:128,278,788, C>A on the plus strand (G>T on the coding strand, the complement: FBN2 is on the minus strand). VCF-style: chr5-128278788-C-A. GRCh37 (hg19) VCF-style: chr5-127614480-C-A.
Other names: short protein forms A2398S.
Identifiers: ClinVar variation 2990829 (VCV002990829.3), dbSNP rs2479651972, ClinGen allele CA360756620.

ClinVar aggregate classification (germline): Uncertain significance (1 of 4 stars; one submission).

Conditions:
Congenital contractural arachnodactyly (CCA). Also called: BEALS SYNDROME; Arthrogryposis, distal, type 9; Beals-Hecht syndrome. Identifiers: Orphanet 115, MedGen C0220668, MONDO:0007363, OMIM 121050.

Allele frequency attached by ClinVar (database versions not stated): gnomAD exomes below 0.00001.
gnomAD v4.1: 1 of 1,614,094 alleles (0.000062%); highest among the groups gnomAD compares: Non-Finnish European, 0.000085%; no homozygotes.

Submission:

Labcorp Genetics (formerly Invitae), Labcorp
Classification: Uncertain significance for Congenital contractural arachnodactyly. Last evaluated: 2023-01-19. Review status: criteria provided, single submitter. Criteria: Invitae Variant Classification Sherloc (09022015). Collection method: clinical testing. Allele origin: germline.
Comment: In summary, the available evidence is currently insufficient to determine the role of this variant in disease. Therefore, it has been classified as a Variant of Uncertain Significance. Advanced modeling of protein sequence and biophysical properties (such as structural, functional, and spatial information, amino acid conservation, physicochemical variation, residue mobility, and thermodynamic stability) performed at Invitae indicates that this missense variant is not expected to disrupt FBN2 protein function. This variant has not been reported in the literature in individuals affected with FBN2-related conditions. This variant is not present in population databases (gnomAD no frequency). This sequence change replaces alanine, which is neutral and non-polar, with serine, which is neutral and polar, at codon 2398 of the FBN2 protein (p.Ala2398Ser).